The following is an entry in ClinVar:

ClinVar aggregate classification (germline): Benign (1 of 4 stars; one submission).

Allele frequency attached by ClinVar (database versions not stated): gnomAD 0.08684; TOPMed 0.09957; 1000 Genomes Project 0.12280; 1000 Genomes Project 30x 0.12414.
gnomAD v4.1: 13,988 of 152,186 alleles (9.2%); highest among the groups gnomAD compares: East Asian, 17%; 753 homozygotes.

Submission:

GeneDx
Classification: Benign. Last evaluated: 2018-06-19. Review status: criteria provided, single submitter. Criteria: GeneDx Variant Classification (06012015). Collection method: clinical testing. Allele origin: germline. Affected: yes.
Comment: This variant is considered likely benign or benign based on one or more of the following criteria: it is a conservative change, it occurs at a poorly conserved position in the protein, it is predicted to be benign by multiple in silico algorithms, and/or has population frequency not consistent with disease.

NM_001371727.1(GABRB2):c.541+250T>C

Gene: GABRB2 (gamma-aminobutyric acid type A receptor subunit beta2; minus strand). Cytogenetic location: 5q34.
Variant type: single nucleotide variant.
Coding change: c.541+250T>C on transcript NM_001371727.1 (MANE Select); 250 bases into the intron after coding-DNA position 541, T replaced by C.
Molecular consequence: intron variant.
Genome position (GRCh38, 1-based): chr5:161,410,725, A>G on the plus strand (T>C on the coding strand, the complement: GABRB2 is on the minus strand). VCF-style: chr5-161410725-A-G. GRCh37 (hg19) VCF-style: chr5-160837731-A-G.
Other names: c.541+250T>C (NM_000813.3, NM_021911.3).
Identifiers: ClinVar variation 668826 (VCV000668826.1), dbSNP rs17059436, ClinGen allele CA12108567.